The following is an entry in ClinVar:

NM_000719.7(CACNA1C):c.5779C>G (p.His1927Asp)

Genes: CACNA1C (calcium voltage-gated channel subunit alpha1 C; plus strand), CACNA1C-AS1 (CACNA1C antisense RNA 1; minus strand). Cytogenetic location: 12p13.33.
Variant type: single nucleotide variant.
Coding change: c.5779C>G on transcript NM_000719.7 (MANE Select); coding-DNA position 5779, C replaced by G.
Protein change: p.His1927Asp; replaces histidine 1927 with aspartic acid.
Molecular consequence: missense variant.
Genome position (GRCh38, 1-based): chr12:2,686,264, C>G. VCF-style: chr12-2686264-C-G. GRCh37 (hg19) VCF-style: chr12-2795430-C-G.
Other names: c.5779C>G (NM_000719.6); c.5923C>G, p.His1975Asp (NM_001129827.2); c.5902C>G, p.His1968Asp (NM_001129829.2); c.5884C>G, p.His1962Asp (NM_001129830.3, NM_001167624.3); c.5863C>G, p.His1955Asp (NM_001129831.2); c.5839C>G, p.His1947Asp (NM_001129832.2); c.5836C>G, p.His1946Asp (NM_001129833.2, NM_001129834.2, NM_001129835.2); c.5830C>G, p.His1944Asp (NM_001129836.2); and 7 more; short protein forms H1927D, H1933D, H1947D, H1968D, H1916D, H1946D, H1955D, H2010D.
Identifiers: ClinVar variation 1481507 (VCV001481507.7), dbSNP rs750568562, ClinGen allele CA383382831.
Genomic context (GRCh38, chr12:2,686,264, plus strand): 5'-CAGAAGGACCGAGGGGGAGACATCTCTCAGAAGACAGTCCTGCCCTTGCATCTGGTTCAT[C>G]ATCAGGTAGCTCACACTTTTGGACAGGCCACTGTCACCTGCCAGCAGGCCAGACAGTCCC-3'
Protein context (NP_000710.5, residues 1917-1937): KTVLPLHLVH[His1927Asp]QALAVAGLSP

ClinVar aggregate classification (germline): Uncertain significance. Review status: criteria provided, multiple submitters, no conflicts (2 of 4 stars). 2 submissions from 2 submitters: Uncertain significance (2). Last evaluated 2025-04-18.

Conditions:
Cardiovascular phenotype. Identifiers: MedGen CN230736.
Long QT syndrome (LQTS). Identifiers: MedGen C0023976, MeSH D008133, MONDO:0002442. Disease mechanism: loss of function. Inheritance: Various modes of inheritance.

gnomAD v4.1: 4 of 1,606,858 alleles (0.00025%); highest among the groups gnomAD compares: Non-Finnish European, 0.00034%; no homozygotes.

Submissions (2):

Ambry Genetics
Classification: Uncertain significance for Cardiovascular phenotype. Last evaluated: 2025-04-18. Review status: criteria provided, single submitter. Criteria: Ambry Variant Classification Scheme 2023. Collection method: clinical testing. Allele origin: germline.
Comment: The p.H1927D variant (also known as c.5779C>G), located in coding exon 45 of the CACNA1C gene, results from a C to G substitution at nucleotide position 5779. The histidine at codon 1927 is replaced by aspartic acid, an amino acid with similar properties. This amino acid position is highly conserved in available vertebrate species. In addition, the in silico prediction for this alteration is inconclusive. Based on the available evidence, the clinical significance of this variant remains unclear.

Labcorp Genetics (formerly Invitae), Labcorp
Classification: Uncertain significance for Long QT syndrome. Last evaluated: 2024-01-11. Review status: criteria provided, single submitter. Criteria: Invitae Variant Classification Sherloc (09022015). Collection method: clinical testing. Allele origin: germline.
Comment: This sequence change replaces histidine, which is basic and polar, with aspartic acid, which is acidic and polar, at codon 1927 of the CACNA1C protein (p.His1927Asp). This variant is not present in population databases (gnomAD no frequency). This variant has not been reported in the literature in individuals affected with CACNA1C-related conditions. ClinVar contains an entry for this variant (Variation ID: 1481507). Advanced modeling of protein sequence and biophysical properties (such as structural, functional, and spatial information, amino acid conservation, physicochemical variation, residue mobility, and thermodynamic stability) performed at Invitae indicates that this missense variant is not expected to disrupt CACNA1C protein function with a negative predictive value of 95%. In summary, the available evidence is currently insufficient to determine the role of this variant in disease. Therefore, it has been classified as a Variant of Uncertain Significance.